The following is an entry in ClinVar:

ClinVar aggregate classification (germline): Likely benign. Review status: criteria provided, single submitter (1 of 4 stars). 2 submissions from 2 submitters: Likely benign (1). 1 of the submissions does not count toward it. Last evaluated 2025-07-01.

Conditions:
NFATC1-related disorder. Also called: NFATC1-related condition.

Allele frequency attached by ClinVar (database versions not stated): TOPMed 0.00005; gnomAD 0.00006; ExAC 0.00007; 1000 Genomes Project 30x 0.00016; 1000 Genomes Project 0.00020.
gnomAD v4.1: 101 of 1,613,060 alleles (0.0063%); highest among the groups gnomAD compares: East Asian, 0.08%; no homozygotes.

Submissions (2):

Ambry Genetics
Classification: Likely benign. Last evaluated: 2025-07-01. Review status: criteria provided, single submitter. Criteria: Ambry Variant Classification Scheme 2023. Collection method: clinical testing. Allele origin: germline.

PreventionGenetics, part of Exact Sciences
Classification: Likely benign for NFATC1-related condition. Last evaluated: 2019-06-21. Review status: no assertion criteria provided. Collection method: clinical testing. Allele origin: germline. Not counted in ClinVar's aggregate classification.
Comment: This variant is classified as likely benign based on ACMG/AMP sequence variant interpretation guidelines (Richards et al. 2015 PMID: 25741868, with internal and published modifications).

NM_001278669.2(NFATC1):c.1825G>A (p.Val609Met)

Gene: NFATC1 (nuclear factor of activated T cells 1; plus strand). Cytogenetic location: 18q23.
Variant type: single nucleotide variant.
Coding change: c.1825G>A on transcript NM_001278669.2 (MANE Select); coding-DNA position 1825, G replaced by A.
Protein change: p.Val609Met; replaces valine 609 with methionine.
Molecular consequence: missense variant.
Genome position (GRCh38, 1-based): chr18:79,451,738, G>A. VCF-style: chr18-79451738-G-A. GRCh37 (hg19) VCF-style: chr18-77211738-G-A.
Other names: c.1825G>A, p.Val609Met (NM_001278670.2, NM_006162.5, NM_172390.3); c.1786G>A, p.Val596Met (NM_001278672.2, NM_001278675.2, NM_172387.3 and 1 more transcripts); c.409G>A, p.Val137Met (NM_001278673.2, NM_172388.3); c.1786G>A (NM_172387.1); short protein forms V137M, V596M, V609M.
Identifiers: ClinVar variation 3043438 (VCV003043438.3), dbSNP rs202141532, ClinGen allele CA9009357.